The following is an entry in ClinVar:

ClinVar aggregate classification (germline): Uncertain significance. Review status: criteria provided, multiple submitters, no conflicts (2 of 4 stars). 2 submissions from 2 submitters: Uncertain significance (2). Last evaluated 2026-09-07.

Conditions:
Congenital contractural arachnodactyly (CCA). Also called: Arthrogryposis, distal, type 9; BEALS SYNDROME; Beals-Hecht syndrome. Identifiers: Orphanet 115, MedGen C0220668, MONDO:0007363, OMIM 121050.
Familial thoracic aortic aneurysm and aortic dissection (TAAD). Also called: Thoracic aortic aneurysms and dissections. Identifiers: Orphanet 91387, MedGen C4707243, MONDO:0019625.

Allele frequency attached by ClinVar (database versions not stated): gnomAD exomes below 0.00001.
gnomAD v4.1: 2 of 1,614,148 alleles (0.00012%); highest among the groups gnomAD compares: Admixed American, 0.0017%; no homozygotes.

Submissions (2):

Ambry Genetics
Classification: Uncertain significance for Familial thoracic aortic aneurysm and aortic dissection. Last evaluated: 2026-09-07. Review status: criteria provided, single submitter. Criteria: Ambry Variant Classification Scheme 2023. Collection method: clinical testing. Allele origin: germline.
Comment: The p.A1454T variant (also known as c.4360G>A), located in coding exon 34 of the FBN2 gene, results from a G to A substitution at nucleotide position 4360. The alanine at codon 1454 is replaced by threonine, an amino acid with similar properties. This amino acid position is conserved. In addition, the in silico prediction for this alteration is inconclusive. Based on the available evidence, the clinical significance of this variant remains unclear.

Labcorp Genetics (formerly Invitae), Labcorp
Classification: Uncertain significance for Congenital contractural arachnodactyly. Last evaluated: 2023-12-01. Review status: criteria provided, single submitter. Criteria: Invitae Variant Classification Sherloc (09022015). Collection method: clinical testing. Allele origin: germline.
Comment: This sequence change replaces alanine, which is neutral and non-polar, with threonine, which is neutral and polar, at codon 1454 of the FBN2 protein (p.Ala1454Thr). This variant is not present in population databases (gnomAD no frequency). This variant has not been reported in the literature in individuals affected with FBN2-related conditions. Advanced modeling of protein sequence and biophysical properties (such as structural, functional, and spatial information, amino acid conservation, physicochemical variation, residue mobility, and thermodynamic stability) performed at Invitae indicates that this missense variant is not expected to disrupt FBN2 protein function with a negative predictive value of 80%. In summary, the available evidence is currently insufficient to determine the role of this variant in disease. Therefore, it has been classified as a Variant of Uncertain Significance.

NM_001999.4(FBN2):c.4360G>A (p.Ala1454Thr)

Gene: FBN2 (fibrillin 2; minus strand). Cytogenetic location: 5q23.3.
Variant type: single nucleotide variant.
Coding change: c.4360G>A on transcript NM_001999.4 (MANE Select); coding-DNA position 4360, G replaced by A.
Protein change: p.Ala1454Thr; replaces alanine 1454 with threonine.
Molecular consequence: missense variant.
Genome position (GRCh38, 1-based): chr5:128,328,807, C>T on the plus strand (G>A on the coding strand, the complement: FBN2 is on the minus strand). VCF-style: chr5-128328807-C-T. GRCh37 (hg19) VCF-style: chr5-127664499-C-T.
Other names: c.4360G>A (NM_001999.3); short protein forms A1454T.
Identifiers: ClinVar variation 2890015 (VCV002890015.4), dbSNP rs987178443, ClinGen allele CA360753249.